The following is an entry in ClinVar:

NM_178857.6(RP1L1):c.6992C>T (p.Thr2331Met)

Gene: RP1L1 (RP1 like 1). Cytogenetic location: 8p23.1.
Variant type: single nucleotide variant.
Coding change: c.6992C>T on transcript NM_178857.6 (MANE Select); coding-DNA position 6992, C replaced by T.
Protein change: p.Thr2331Met; replaces threonine 2331 with methionine.
Molecular consequence: missense variant.
Genome position (GRCh38, 1-based): chr8:10,607,106, G>A on the plus strand (C>T on the coding strand, the complement: RP1L1 is on the minus strand). VCF-style: chr8-10607106-G-A. GRCh37 (hg19) VCF-style: chr8-10464616-G-A.
Other names: short protein forms T2331M.
Identifiers: ClinVar variation 361207 (VCV000361207.37), dbSNP rs147334256, ClinGen allele CA4623109.
Genomic context (GRCh38, chr8:10,607,106, plus strand): 5'-TCAGAAGTAGAACTTTCTGGGTACATCCTGGTGGCCTTCCTCTCTGCATGAGGGGTCCCC[G>A]TGGACTTGGCATCAGGGCTCCTTGTGTCTCCAAGTACATGGTCATTTTCTGAGTCTTTCT-3'
Protein context (NP_849188.4, residues 2321-2341): GDTRSPDAKS[Thr2331Met]GTPHAERKAT

ClinVar aggregate classification (germline): Benign/Likely benign. Review status: criteria provided, multiple submitters, no conflicts (2 of 4 stars). 6 submissions from 6 submitters: Benign (2); Likely benign (2). 2 of the submissions do not count toward it. Last evaluated 2026-03-01.

Conditions:
Occult macular dystrophy (OCMD). Also called: OMD; OCCULT MACULAR DYSTROPHY, SUSCEPTIBILITY TO. Identifiers: Orphanet 247834, MedGen C3150833, MONDO:0013316, OMIM 613587, HP:0030636.

Allele frequency attached by ClinVar (database versions not stated): 1000 Genomes Project 0.00040; 1000 Genomes Project 30x 0.00062; ExAC 0.00147; gnomAD exomes 0.00153 and 0.00313; gnomAD 0.00188 and 0.00192; TOPMed 0.00197; ESP Exome Variant Server 0.00330.

Submissions (6):

CeGaT Center for Human Genetics Tuebingen
Classification: Likely benign. Last evaluated: 2026-03-01. Review status: criteria provided, single submitter. Criteria: CeGaT Center For Human Genetics Tuebingen Variant Classification Criteria Version 2. Collection method: clinical testing. Allele origin: germline. Affected: yes. Observed: 2 variant alleles.
Comment: RP1L1: BP4, BS2

Blueprint Genetics
Classification: Likely benign. Last evaluated: 2024-11-05. Review status: criteria provided, single submitter. Criteria: ACMG Guidelines, 2015. Collection method: clinical testing. Allele origin: germline.

Illumina Laboratory Services, Illumina
Classification: Benign for Occult macular dystrophy. Last evaluated: 2018-01-13. Review status: criteria provided, single submitter. Criteria: ICSL Variant Classification Criteria 13 December 2019. Collection method: clinical testing. Allele origin: germline.
Comment: This variant was observed in the ICSL laboratory as part of a predisposition screen in an ostensibly healthy population. It had not been previously curated by ICSL or reported in the Human Gene Mutation Database (HGMD: prior to June 1st, 2018), and was therefore a candidate for classification through an automated scoring system. Utilizing variant allele frequency, disease prevalence and penetrance estimates, and inheritance mode, an automated score was calculated to assess if this variant is too frequent to cause the disease. Based on the score and internal cut-off values, a variant classified as benign is not then subjected to further curation. The score for this variant resulted in a classification of benign for this disease.

Breakthrough Genomics
Classification: Benign. Review status: criteria provided, single submitter. Criteria: ACMG Guidelines, 2015. Collection method: not provided. Allele origin: germline. Inheritance: Autosomal recessive inheritance. Affected: yes.

Clinical Genetics DNA and cytogenetics Diagnostics Lab, Erasmus MC, Erasmus Medical Center
Classification: Likely benign. Review status: no assertion criteria provided. Collection method: clinical testing. Allele origin: germline. Affected: yes. Study: VKGL Data-share Consensus. Not counted in ClinVar's aggregate classification.

Clinical Genetics, Academic Medical Center
Classification: Benign. Review status: no assertion criteria provided. Collection method: clinical testing. Allele origin: germline. Affected: yes. Study: VKGL Data-share Consensus. Not counted in ClinVar's aggregate classification.